The following is an entry in ClinVar:

NM_004304.5(ALK):c.4744G>A (p.Val1582Ile)

Gene: ALK (ALK receptor tyrosine kinase; minus strand). Cytogenetic location: 2p23.2.
Variant type: single nucleotide variant.
Coding change: c.4744G>A on transcript NM_004304.5 (MANE Select); coding-DNA position 4744, G replaced by A.
Protein change: p.Val1582Ile; replaces valine 1582 with isoleucine.
Molecular consequence: missense variant.
Genome position (GRCh38, 1-based): chr2:29,193,343, C>T on the plus strand (G>A on the coding strand, the complement: ALK is on the minus strand). VCF-style: chr2-29193343-C-T. GRCh37 (hg19) VCF-style: chr2-29416209-C-T.
Other names: c.1540G>A, p.Val514Ile (NM_001353765.2); short protein forms V1582I, V514I.
Identifiers: ClinVar variation 538221 (VCV000538221.9), dbSNP rs1553386863, ClinGen allele CA346460338.

ClinVar aggregate classification (germline): Uncertain significance. Review status: criteria provided, multiple submitters, no conflicts (2 of 4 stars). 2 submissions from 2 submitters: Uncertain significance (2). Last evaluated 2025-07-30.

Conditions:
Hereditary cancer-predisposing syndrome. Also called: Neoplastic Syndromes, Hereditary; Tumor predisposition; Hereditary Cancer Syndrome; Hereditary neoplastic syndrome. Identifiers: Orphanet 140162, MedGen C0027672, MeSH D009386, MONDO:0015356.
Neuroblastoma, susceptibility to, 3. Also called: ALK-Related Neuroblastic Tumor Susceptibility. Identifiers: Orphanet 635, MedGen C2751681, MONDO:0013083, OMIM 613014.

Allele frequency attached by ClinVar (database versions not stated): gnomAD exomes below 0.00001; gnomAD 0.00001.
gnomAD v4.1: 4 of 1,614,086 alleles (0.00025%); highest among the groups gnomAD compares: African/African-American, 0.0013%; no homozygotes.

Submissions (2):

Labcorp Genetics (formerly Invitae), Labcorp
Classification: Uncertain significance for Neuroblastoma, susceptibility to, 3. Last evaluated: 2025-07-30. Review status: criteria provided, single submitter. Criteria: Invitae Variant Classification Sherloc (09022015). Collection method: clinical testing. Allele origin: germline.
Comment: This sequence change replaces valine, which is neutral and non-polar, with isoleucine, which is neutral and non-polar, at codon 1582 of the ALK protein (p.Val1582Ile). This variant is not present in population databases (gnomAD no frequency). This variant has not been reported in the literature in individuals affected with ALK-related conditions. ClinVar contains an entry for this variant (Variation ID: 538221). An algorithm developed to predict the effect of missense changes on protein structure and function (PolyPhen-2) suggests that this variant is likely to be tolerated. In summary, the available evidence is currently insufficient to determine the role of this variant in disease. Therefore, it has been classified as a Variant of Uncertain Significance.

Ambry Genetics
Classification: Uncertain significance for Hereditary cancer-predisposing syndrome. Last evaluated: 2022-04-26. Review status: criteria provided, single submitter. Criteria: Ambry Variant Classification Scheme 2023. Collection method: clinical testing. Allele origin: germline.
Comment: The p.V1582I variant (also known as c.4744G>A), located in coding exon 29 of the ALK gene, results from a G to A substitution at nucleotide position 4744. The valine at codon 1582 is replaced by isoleucine, an amino acid with highly similar properties. This amino acid position is conserved. In addition, this alteration is predicted to be tolerated by in silico analysis. Since supporting evidence is limited at this time, the clinical significance of this alteration remains unclear.